The following is an entry in ClinVar:

NM_000497.4(CYP11B1):c.335G>T (p.Ser112Ile)

Gene: CYP11B1 (cytochrome P450 family 11 subfamily B member 1; minus strand). Cytogenetic location: 8q24.3.
Variant type: single nucleotide variant.
Coding change: c.335G>T on transcript NM_000497.4 (MANE Select); coding-DNA position 335, G replaced by T.
Protein change: p.Ser112Ile; replaces serine 112 with isoleucine.
Molecular consequence: missense variant.
Genome position (GRCh38, 1-based): chr8:142,879,092, C>A on the plus strand (G>T on the coding strand, the complement: CYP11B1 is on the minus strand). VCF-style: chr8-142879092-C-A. GRCh37 (hg19) VCF-style: chr8-143960508-C-A.
Other names: c.335G>T, p.Ser112Ile (NM_001026213.1); short protein forms S112I.
Identifiers: ClinVar variation 2517232 (VCV002517232.3), dbSNP rs61751139, ClinGen allele CA4905554.

ClinVar aggregate classification (germline): Uncertain significance. Review status: criteria provided, multiple submitters, no conflicts (2 of 4 stars). 2 submissions from 2 submitters: Uncertain significance (2). Last evaluated 2025-07-24.

Conditions:
Inborn genetic diseases. Identifiers: MedGen C0950123, MeSH D030342.

Allele frequency attached by ClinVar (database versions not stated): ExAC 0.00004; 1000 Genomes Project 30x 0.00016; 1000 Genomes Project 0.00020; gnomAD 0.00021; TOPMed 0.00022; ESP Exome Variant Server 0.00023.
gnomAD v4.1: 51 of 1,614,052 alleles (0.0032%); highest among the groups gnomAD compares: African/African-American, 0.057%; no homozygotes.

Submissions (2):

Labcorp Genetics (formerly Invitae), Labcorp
Classification: Uncertain significance. Last evaluated: 2025-07-24. Review status: criteria provided, single submitter. Criteria: Invitae Variant Classification Sherloc (09022015). Collection method: clinical testing. Allele origin: germline.
Comment: This sequence change replaces serine, which is neutral and polar, with isoleucine, which is neutral and non-polar, at codon 112 of the CYP11B1 protein (p.Ser112Ile). This variant is present in population databases (rs61751139, gnomAD 0.02%). This variant has not been reported in the literature in individuals affected with CYP11B1-related conditions. ClinVar contains an entry for this variant (Variation ID: 2517232). Invitae Evidence Modeling of protein sequence and biophysical properties (such as structural, functional, and spatial information, amino acid conservation, physicochemical variation, residue mobility, and thermodynamic stability) indicates that this missense variant is not expected to disrupt CYP11B1 protein function with a negative predictive value of 95%. In summary, the available evidence is currently insufficient to determine the role of this variant in disease. Therefore, it has been classified as a Variant of Uncertain Significance.

Ambry Genetics
Classification: Uncertain significance for Inborn genetic diseases. Last evaluated: 2023-05-18. Review status: criteria provided, single submitter. Criteria: Ambry Variant Classification Scheme 2023. Collection method: clinical testing. Allele origin: germline.